The following is an entry in ClinVar:

ClinVar aggregate classification (germline): Benign. Review status: criteria provided, multiple submitters, no conflicts (2 of 4 stars). 3 submissions from 2 submitters: Benign (3). Last evaluated 2018-01-12.

Conditions:
Ocular cystinosis. Also called: Non-Nephropathic (Ocular) Cystinosis; Non-Nephropathic Cystinosis. Identifiers: Orphanet 213, Orphanet 411641, MedGen C2931013, MONDO:0009064, OMIM 219750.
Nephropathic cystinosis (CTNS). Also called: CYSTINOSIN, DEFECT OF; LYSOSOMAL CYSTINE TRANSPORT PROTEIN, DEFECT OF; Abderhalden Lignac Kaufmann disease; Abderhalden-Kaufmann-Lignac syndrome. Identifiers: Orphanet 213, Orphanet 411629, MedGen C2931187, MONDO:0100151, OMIM 219800.

Allele frequency attached by ClinVar (database versions not stated): gnomAD 0.24184 and 0.25037; TOPMed 0.25261; 1000 Genomes Project 30x 0.27951; 1000 Genomes Project 0.29034; gnomAD exomes 0.30596.
gnomAD v4.1: 99,220 of 351,798 alleles (28%); highest among the groups gnomAD compares: East Asian, 52%; 15,507 homozygotes.

Submissions (3):

Illumina Laboratory Services, Illumina
Classification: Benign for Nephropathic cystinosis. Last evaluated: 2018-01-12. Review status: criteria provided, single submitter. Criteria: ICSL Variant Classification Criteria 13 December 2019. Collection method: clinical testing. Allele origin: germline.
Comment: This variant was observed in the ICSL laboratory as part of a predisposition screen in an ostensibly healthy population. It had not been previously curated by ICSL or reported in the Human Gene Mutation Database (HGMD: prior to June 1st, 2018), and was therefore a candidate for classification through an automated scoring system. Utilizing variant allele frequency, disease prevalence and penetrance estimates, and inheritance mode, an automated score was calculated to assess if this variant is too frequent to cause the disease. Based on the score and internal cut-off values, a variant classified as benign is not then subjected to further curation. The score for this variant resulted in a classification of benign for this disease.

Illumina Laboratory Services, Illumina
Classification: Benign for Ocular cystinosis. Last evaluated: 2018-01-12. Review status: criteria provided, single submitter. Criteria: ICSL Variant Classification Criteria 13 December 2019. Collection method: clinical testing. Allele origin: germline.
Comment: the same text as in the submission from Illumina Laboratory Services, Illumina above.

Breakthrough Genomics
Classification: Benign. Review status: criteria provided, single submitter. Criteria: ACMG Guidelines, 2015. Collection method: not provided. Allele origin: germline. Inheritance: Autosomal recessive inheritance. Affected: yes.

NM_004937.3(CTNS):c.*737T>A

Gene: CTNS (cystinosin, lysosomal cystine transporter; plus strand). Cytogenetic location: 17p13.2.
Variant type: single nucleotide variant.
Coding change: c.*737T>A on transcript NM_004937.3 (MANE Select); 737 bases downstream of the stop codon, T replaced by A.
Molecular consequence: 3 prime UTR variant.
Genome position (GRCh38, 1-based): chr17:3,661,106, T>A. VCF-style: chr17-3661106-T-A. GRCh37 (hg19) VCF-style: chr17-3564400-T-A.
Other names: c.*372T>A (NM_001031681.3, NM_001374492.1); c.*737T>A (NM_001374493.1, NM_001374494.1, NM_001374495.1 and 1 more transcripts).
Identifiers: ClinVar variation 322864 (VCV000322864.6), dbSNP rs222754, ClinGen allele CA10639466.